The following is an entry in ClinVar:

ClinVar aggregate classification (germline): Uncertain significance (1 of 4 stars; one submission).

Conditions:
Luscan-Lumish syndrome. Identifiers: Orphanet 597738, MedGen C4085873, MONDO:0014791, OMIM 616831.

Submission:

Labcorp Genetics (formerly Invitae), Labcorp
Classification: Uncertain significance for Luscan-Lumish syndrome. Last evaluated: 2019-03-20. Review status: criteria provided, single submitter. Criteria: Invitae Variant Classification Sherloc (09022015). Collection method: clinical testing. Allele origin: germline.
Comment: In summary, the available evidence is currently insufficient to determine the role of this variant in disease. Therefore, it has been classified as a Variant of Uncertain Significance. This variant is not present in population databases (ExAC no frequency). This variant has not been reported in the literature in individuals with SETD2-related conditions. Algorithms developed to predict the effect of missense changes on protein structure and function are either unavailable or do not agree on the potential impact of this missense change (SIFT: "Tolerated"; PolyPhen-2: "Possibly Damaging"; Align-GVGD: "Class C0"). This sequence change replaces aspartic acid with glycine at codon 2018 of the SETD2 protein (p.Asp2018Gly). The aspartic acid residue is highly conserved and there is a moderate physicochemical difference between aspartic acid and glycine.

NM_014159.7(SETD2):c.6053A>G (p.Asp2018Gly)

Gene: SETD2 (SET domain containing 2, histone lysine methyltransferase; minus strand). Cytogenetic location: 3p21.31.
Variant type: single nucleotide variant.
Coding change: c.6053A>G on transcript NM_014159.7 (MANE Select); coding-DNA position 6053, A replaced by G.
Protein change: p.Asp2018Gly; replaces aspartic acid 2018 with glycine.
Molecular consequence: missense variant. On other transcripts: non-coding transcript variant (1).
Genome position (GRCh38, 1-based): chr3:47,083,727, T>C on the plus strand (A>G on the coding strand, the complement: SETD2 is on the minus strand). VCF-style: chr3-47083727-T-C. GRCh37 (hg19) VCF-style: chr3-47125217-T-C.
Other names: c.5921A>G, p.Asp1974Gly (NM_001349370.3); short protein forms D1974G, D2018G.
Identifiers: ClinVar variation 841589 (VCV000841589.6), dbSNP rs2041415373, ClinGen allele CA352530124.
Genomic context (GRCh38, chr3:47,083,727, plus strand): 5'-GAACTCTAAACCTGAGTAATTCAAGTTGAAATGAACAAAAGATGCTTCCTTACCTTTAGG[T>C]CTTTCCAACTGTCCAGGAGTTTGGTGGCCAAATCACTTATATCCACTGTTTTATCTGGCT-3'
Protein context (NP_054878.5, residues 2008-2028): LATKLLDSWK[Asp2018Gly]LKEVYRIPKK